The following is an entry in ClinVar:

ClinVar aggregate classification (germline): Conflicting classifications of pathogenicity. Review status: criteria provided, conflicting classifications (1 of 4 stars). 4 submissions from 4 submitters: Uncertain significance (3); Likely benign (1). Last evaluated 2025-12-16.

Conditions:
Cardiovascular phenotype. Identifiers: MedGen CN230736.
Catecholaminergic polymorphic ventricular tachycardia (CVPT). Also called: Catecholamine-induced polymorphic ventricular tachycardia. Identifiers: Orphanet 3286, MedGen C5574922, MONDO:0017990.
Catecholaminergic polymorphic ventricular tachycardia 1. Also called: VENTRICULAR TACHYCARDIA, STRESS-INDUCED POLYMORPHIC 1; VENTRICULAR TACHYCARDIA, CATECHOLAMINERGIC POLYMORPHIC, 1, WITH OR WITHOUT ATRIAL DYSFUNCTION AND/OR DILATED CARDIOMYOPATHY; RYR2-Related Catecholaminergic Polymorphic Ventricular Tachycardia. Identifiers: Orphanet 3286, MedGen C1631597, MONDO:0011484, OMIM 604772.

Allele frequency attached by ClinVar (database versions not stated): gnomAD exomes 0.00001; ExAC 0.00002; TOPMed 0.00002; ESP Exome Variant Server 0.00008.
gnomAD v4.1: 10 of 1,613,916 alleles (0.00062%); highest among the groups gnomAD compares: East Asian, 0.0067%; no homozygotes.

Submissions (4):

Labcorp Genetics (formerly Invitae), Labcorp
Classification: Likely benign for Catecholaminergic polymorphic ventricular tachycardia 1. Last evaluated: 2025-12-16. Review status: criteria provided, single submitter. Criteria: Invitae Variant Classification Sherloc (09022015). Collection method: clinical testing. Allele origin: germline.

Ambry Genetics
Classification: Uncertain significance for Cardiovascular phenotype. Last evaluated: 2025-07-22. Review status: criteria provided, single submitter. Criteria: Ambry Variant Classification Scheme 2023. Collection method: clinical testing. Allele origin: germline.
Comment: The p.V1441I variant (also known as c.4321G>A), located in coding exon 33 of the RYR2 gene, results from a G to A substitution at nucleotide position 4321. The valine at codon 1441 is replaced by isoleucine, an amino acid with highly similar properties. This amino acid position is highly conserved in available vertebrate species. In addition, this alteration is predicted to be tolerated by in silico analysis. Based on the available evidence, the clinical significance of this variant remains unclear.

All of Us Research Program, National Institutes of Health
Classification: Uncertain significance for Catecholaminergic polymorphic ventricular tachycardia. Last evaluated: 2024-07-29. Review status: criteria provided, single submitter. Criteria: ACMG Guidelines, 2015. Collection method: clinical testing. Allele origin: germline. Inheritance: Autosomal dominant inheritance. Observed: 1 variant allele, 1 heterozygote.
Comment: This missense variant replaces valine with isoleucine at codon 1441 of the RYR2 protein. Computational prediction suggests that this variant may not impact protein structure and function. To our knowledge, functional studies have not been reported for this variant. This variant has not been reported in individuals affected with RYR2-related disorders in the literature. This variant has been identified in 4/248928 chromosomes in the general population by the Genome Aggregation Database (gnomAD). The available evidence is insufficient to determine the role of this variant in disease conclusively. Therefore, this variant is classified as a Variant of Uncertain Significance.

This study involves interpretation of variants in research participants for the purpose of population health screening. Participant phenotype was not available at the time of variant classification. Additional details can be found in publication PMID: 35346344, PMCID: PMC8962531

Revvity Omics, Revvity
Classification: Uncertain significance. Last evaluated: 2020-03-15. Review status: criteria provided, single submitter. Criteria: ACMG Guidelines, 2015. Collection method: clinical testing. Allele origin: germline.

NM_001035.3(RYR2):c.4321G>A (p.Val1441Ile)

Gene: RYR2 (ryanodine receptor 2; plus strand). Cytogenetic location: 1q43.
Variant type: single nucleotide variant.
Coding change: c.4321G>A on transcript NM_001035.3 (MANE Select); coding-DNA position 4321, G replaced by A.
Protein change: p.Val1441Ile; replaces valine 1441 with isoleucine.
Molecular consequence: missense variant.
Genome position (GRCh38, 1-based): chr1:237,593,521, G>A. VCF-style: chr1-237593521-G-A. GRCh37 (hg19) VCF-style: chr1-237756821-G-A.
Other names: c.4321G>A (NM_001035.2); short protein forms V1441I.
Identifiers: ClinVar variation 2137455 (VCV002137455.10), dbSNP rs376638283, ClinGen allele CA086598.
Genomic context (GRCh38, chr1:237,593,521, plus strand): 5'-CTGCTATCTTCACAGTACTATTACTCAGTGAGAATCTTTCCTGGACAAGAACCTGCTAAT[G>A]TCTGGGTGGGCTGGATTACATCAGATTTCCATCAGTATGACACAGGCTTTGACTTGGACA-3'
Protein context (NP_001026.2, residues 1431-1451): RIFPGQEPAN[Val1441Ile]WVGWITSDFH